The following is an entry in ClinVar:

ClinVar aggregate classification (germline): Uncertain significance (1 of 4 stars; one submission).

Conditions:
Epidermolysis bullosa simplex 5B, with muscular dystrophy (EBS5B). Also called: Epidermolysis bullosa simplex with muscular dystrophy; EPIDERMOLYSIS BULLOSA SIMPLEX AND LIMB-GIRDLE MUSCULAR DYSTROPHY. Identifiers: Orphanet 257, MedGen C2931072, MONDO:0009181, OMIM 226670.
Autosomal recessive limb-girdle muscular dystrophy type 2Q (LGMDR17). Also called: MUSCULAR DYSTROPHY, LIMB-GIRDLE, AUTOSOMAL RECESSIVE 17. Identifiers: Orphanet 254361, MedGen C3150989, MONDO:0013390, OMIM 613723.
Epidermolysis bullosa simplex with nail dystrophy (EBS5D). Identifiers: MedGen C4225309, MONDO:0014661, OMIM 616487.
Epidermolysis bullosa simplex 5C, with pyloric atresia (EBS5C). Also called: Epidermolysis bullosa simplex with pyloric atresia; PLEC-Related Epidermolysis Bullosa with Pyloric Atresia; PLEC1-Related Epidermolysis Bullosa with Pyloric Atresia. Identifiers: Orphanet 158684, MedGen C2677349, MONDO:0012807, OMIM 612138.
Epidermolysis bullosa simplex, Ogna type (EBS5A). Also called: EPIDERMOLYSIS BULLOSA SIMPLEX 5A, OGNA TYPE; Pidermolysis bullosa simplex 5A, Ogna type. Identifiers: Orphanet 79401, MedGen C0432317, MONDO:0007555, OMIM 131950.

Submission:

Labcorp Genetics (formerly Invitae), Labcorp
Classification: Uncertain significance for Autosomal recessive limb-girdle muscular dystrophy type 2Q; Epidermolysis bullosa simplex, Ogna type; Epidermolysis bullosa simplex with nail dystrophy; Epidermolysis bullosa simplex 5C, with pyloric atresia; Epidermolysis bullosa simplex 5B, with muscular dystrophy. Last evaluated: 2021-11-07. Review status: criteria provided, single submitter. Criteria: Invitae Variant Classification Sherloc (09022015). Collection method: clinical testing. Allele origin: germline.
Comment: In summary, the available evidence is currently insufficient to determine the role of this variant in disease. Therefore, it has been classified as a Variant of Uncertain Significance. Algorithms developed to predict the effect of missense changes on protein structure and function are either unavailable or do not agree on the potential impact of this missense change (SIFT: "Tolerated"; PolyPhen-2: "Not Available"; Align-GVGD: "Class C0"). This variant has not been reported in the literature in individuals affected with PLEC-related conditions. This variant is not present in population databases (gnomAD no frequency). This sequence change replaces alanine, which is neutral and non-polar, with proline, which is neutral and non-polar, at codon 1175 of the PLEC protein (p.Ala1175Pro).

NM_201384.3(PLEC):c.3442G>C (p.Ala1148Pro)

Gene: PLEC (plectin; minus strand). Cytogenetic location: 8q24.3.
Variant type: single nucleotide variant.
Coding change: c.3442G>C on transcript NM_201384.3 (MANE Select); coding-DNA position 3442, G replaced by C.
Protein change: p.Ala1148Pro; replaces alanine 1148 with proline.
Molecular consequence: missense variant.
Genome position (GRCh38, 1-based): chr8:143,927,724, C>G on the plus strand (G>C on the coding strand, the complement: PLEC is on the minus strand). VCF-style: chr8-143927724-C-G. GRCh37 (hg19) VCF-style: chr8-145001892-C-G.
Other names: c.3523G>C, p.Ala1175Pro (NM_000445.5); c.3400G>C, p.Ala1134Pro (NM_201378.4); c.3376G>C, p.Ala1126Pro (NM_201379.3); c.3853G>C, p.Ala1285Pro (NM_201380.4); c.3346G>C, p.Ala1116Pro (NM_201381.3); c.3442G>C, p.Ala1148Pro (NM_201382.4); c.3454G>C, p.Ala1152Pro (NM_201383.3); short protein forms A1116P, A1126P, A1175P, A1148P, A1134P, A1152P, A1285P.
Identifiers: ClinVar variation 1502251 (VCV001502251.6), dbSNP rs370869846, ClinGen allele CA372566068.